The following is an entry in ClinVar:

ClinVar aggregate classification (germline): Uncertain significance. Review status: criteria provided, multiple submitters, no conflicts (2 of 4 stars). 4 submissions from 4 submitters: Uncertain significance (4). Last evaluated 2026-05-27.

Conditions:
Inborn genetic diseases. Identifiers: MedGen C0950123, MeSH D030342.

Allele frequency attached by ClinVar (database versions not stated): gnomAD exomes 0.00002; TOPMed 0.00003; gnomAD 0.00005; ExAC 0.00046.
gnomAD v4.1: 84 of 1,438,670 alleles (0.0058%); highest among the groups gnomAD compares: Non-Finnish European, 0.0072%; no homozygotes.

Submissions (4):

Ambry Genetics
Classification: Uncertain significance for Inborn genetic diseases. Last evaluated: 2026-05-27. Review status: criteria provided, single submitter. Criteria: Ambry Variant Classification Scheme 2023. Collection method: clinical testing. Allele origin: germline.

CeGaT Center for Human Genetics Tuebingen
Classification: Uncertain significance. Last evaluated: 2026-03-01. Review status: criteria provided, single submitter. Criteria: CeGaT Center For Human Genetics Tuebingen Variant Classification Criteria Version 2. Collection method: clinical testing. Allele origin: germline. Affected: yes. Observed: 1 variant allele.
Comment: ECHS1: PM2

GeneDx
Classification: Uncertain significance. Last evaluated: 2023-09-04. Review status: criteria provided, single submitter. Criteria: GeneDx Variant Classification Process June 2021. Collection method: clinical testing. Allele origin: germline. Affected: yes.
Comment: Not observed at significant frequency in large population cohorts (gnomAD); In silico analysis supports that this missense variant does not alter protein structure/function; Has not been previously published as pathogenic or benign to our knowledge

Labcorp Genetics (formerly Invitae), Labcorp
Classification: Uncertain significance. Last evaluated: 2021-08-20. Review status: criteria provided, single submitter. Criteria: Invitae Variant Classification Sherloc (09022015). Collection method: clinical testing. Allele origin: germline.
Comment: This sequence change replaces alanine with serine at codon 28 of the ECHS1 protein (p.Ala28Ser). The alanine residue is weakly conserved and there is a moderate physicochemical difference between alanine and serine. While this variant is present in population databases (rs772023125), the frequency information is unreliable, as metrics indicate poor data quality at this position in the ExAC database. This variant has not been reported in the literature in individuals affected with ECHS1-related conditions. Algorithms developed to predict the effect of missense changes on protein structure and function (SIFT, PolyPhen-2, Align-GVGD) all suggest that this variant is likely to be tolerated. In summary, the available evidence is currently insufficient to determine the role of this variant in disease. Therefore, it has been classified as a Variant of Uncertain Significance.

NM_004092.4(ECHS1):c.82G>T (p.Ala28Ser)

Genes: ECHS1 (enoyl-CoA hydratase, short chain 1; minus strand), LOC130005023 (ATAC-STARR-seq lymphoblastoid silent region 2977; plus strand). Cytogenetic location: 10q26.3.
Variant type: single nucleotide variant.
Coding change: c.82G>T on transcript NM_004092.4 (MANE Select); coding-DNA position 82, G replaced by T.
Protein change: p.Ala28Ser; replaces alanine 28 with serine.
Molecular consequence: missense variant.
Genome position (GRCh38, 1-based): chr10:133,373,252, C>A on the plus strand (G>T on the coding strand, the complement: ECHS1 is on the minus strand). VCF-style: chr10-133373252-C-A. GRCh37 (hg19) VCF-style: chr10-135186756-C-A.
Other names: c.82G>T (NM_004092.3); short protein forms A28S.
Identifiers: ClinVar variation 1450201 (VCV001450201.11), dbSNP rs772023125, ClinGen allele CA5765895.
Genomic context (GRCh38, chr10:133,373,252, plus strand): 5'-TGCAGGTCGGAGTCAGGAGGAGATTCGGGCCGCCAGCTCTCACCGCGCACTCACCCGAGG[C>A]GAAGGGACGCCAGGCGGGACAGCGAACCGGGGGCCTCAGCGGGCCGCGGACGCAGGACAG-3'
Protein context (NP_004083.3, residues 18-38): PVRCPAWRPF[Ala28Ser]SGANFEYIIA